The following is an entry in ClinVar:

NM_004655.4(AXIN2):c.1414C>A (p.His472Asn)

Gene: AXIN2 (axin 2; minus strand). Cytogenetic location: 17q24.1.
Variant type: single nucleotide variant.
Coding change: c.1414C>A on transcript NM_004655.4 (MANE Select); coding-DNA position 1414, C replaced by A.
Protein change: p.His472Asn; replaces histidine 472 with asparagine.
Molecular consequence: missense variant.
Genome position (GRCh38, 1-based): chr17:65,537,622, G>T on the plus strand (C>A on the coding strand, the complement: AXIN2 is on the minus strand). VCF-style: chr17-65537622-G-T. GRCh37 (hg19) VCF-style: chr17-63533740-G-T.
Other names: c.1414C>A, p.His472Asn (NM_001363813.1); short protein forms H472N.
Identifiers: ClinVar variation 3224367 (VCV003224367.2), dbSNP rs2043955269, ClinGen allele CA400677551.

ClinVar aggregate classification (germline): Uncertain significance. Review status: criteria provided, multiple submitters, no conflicts (2 of 4 stars). 2 submissions from 2 submitters: Uncertain significance (2). Last evaluated 2025-08-06.

Conditions:
Oligodontia-cancer predisposition syndrome. Also called: TOOTH AGENESIS-COLORECTAL CANCER SYNDROME. Identifiers: Orphanet 300576, MedGen C1837750, MONDO:0012075, OMIM 608615. Disease mechanism: loss of function.
Hereditary cancer-predisposing syndrome. Also called: Tumor predisposition; Hereditary neoplastic syndrome; Hereditary Cancer Syndrome; Neoplastic Syndromes, Hereditary. Identifiers: Orphanet 140162, MedGen C0027672, MeSH D009386, MONDO:0015356.

Submissions (2):

Labcorp Genetics (formerly Invitae), Labcorp
Classification: Uncertain significance for Oligodontia-cancer predisposition syndrome. Last evaluated: 2025-08-06. Review status: criteria provided, single submitter. Criteria: Invitae Variant Classification Sherloc (09022015). Collection method: clinical testing. Allele origin: germline.
Comment: This sequence change replaces histidine, which is basic and polar, with asparagine, which is neutral and polar, at codon 472 of the AXIN2 protein (p.His472Asn). This variant is not present in population databases (gnomAD no frequency). This variant has not been reported in the literature in individuals affected with AXIN2-related conditions. ClinVar contains an entry for this variant (Variation ID: 3224367). An algorithm developed to predict the effect of missense changes on protein structure and function (PolyPhen-2) suggests that this variant is likely to be tolerated. In summary, the available evidence is currently insufficient to determine the role of this variant in disease. Therefore, it has been classified as a Variant of Uncertain Significance.

Ambry Genetics
Classification: Uncertain significance for Hereditary cancer-predisposing syndrome. Last evaluated: 2024-01-07. Review status: criteria provided, single submitter. Criteria: Ambry Variant Classification Scheme 2023. Collection method: clinical testing. Allele origin: germline.
Comment: The p.H472N variant (also known as c.1414C>A), located in coding exon 5 of the AXIN2 gene, results from a C to A substitution at nucleotide position 1414. The histidine at codon 472 is replaced by asparagine, an amino acid with similar properties. This amino acid position is conserved. In addition, this alteration is predicted to be tolerated by in silico analysis. Since supporting evidence is limited at this time, the clinical significance of this alteration remains unclear.